The following is an entry in ClinVar:

NM_017849.4(TMEM127):c.613G>T (p.Glu205Ter)

Gene: TMEM127 (transmembrane protein 127; minus strand). Cytogenetic location: 2q11.2.
Variant type: single nucleotide variant.
Coding change: c.613G>T on transcript NM_017849.4 (MANE Select); coding-DNA position 613, G replaced by T.
Protein change: p.Glu205Ter; replaces glutamic acid 205 with a stop codon.
Molecular consequence: nonsense.
Genome position (GRCh38, 1-based): chr2:96,253,912, C>A on the plus strand (G>T on the coding strand, the complement: TMEM127 is on the minus strand). VCF-style: chr2-96253912-C-A. GRCh37 (hg19) VCF-style: chr2-96919650-C-A.
Other names: c.613G>T, p.Glu205Ter (NM_001193304.3); c.361G>T, p.Glu121Ter (NM_001407282.1, NM_001407283.1); short protein forms E121*, E205*.
Identifiers: ClinVar variation 2563323 (VCV002563323.3), dbSNP rs1684144025, ClinGen allele CA347651934.

ClinVar aggregate classification (germline): Uncertain significance. Review status: criteria provided, multiple submitters, no conflicts (2 of 4 stars). 2 submissions from 2 submitters: Uncertain significance (2). Last evaluated 2025-11-27.

Conditions:
Hereditary cancer-predisposing syndrome. Also called: Neoplastic Syndromes, Hereditary; Tumor predisposition; Hereditary Cancer Syndrome; Hereditary neoplastic syndrome. Identifiers: Orphanet 140162, MedGen C0027672, MeSH D009386, MONDO:0015356.
Hereditary pheochromocytoma and paraganglioma. Also called: Hereditary paragangliomas and pheochromocytomas; Hereditary Paraganglioma-Pheochromocytoma Syndromes; Hereditary pheochromocytoma-paraganglioma. Identifiers: Orphanet 29072, MedGen C4274332, MONDO:0017366.

Submissions (2):

Labcorp Genetics (formerly Invitae), Labcorp
Classification: Uncertain significance for Hereditary pheochromocytoma and paraganglioma. Last evaluated: 2025-11-27. Review status: criteria provided, single submitter. Criteria: Invitae Variant Classification Sherloc (09022015). Collection method: clinical testing. Allele origin: germline.
Comment: This sequence change creates a premature translational stop signal (p.Glu205*) in the TMEM127 gene. While this is not anticipated to result in nonsense mediated decay, it is expected to disrupt the last 34 amino acid(s) of the TMEM127 protein. This variant is not present in population databases (gnomAD no frequency). This variant has not been reported in the literature in individuals affected with TMEM127-related conditions. ClinVar contains an entry for this variant (Variation ID: 2563323). Experimental studies and prediction algorithms are not available or were not evaluated, and the functional significance of this variant is currently unknown. In summary, the available evidence is currently insufficient to determine the role of this variant in disease. Therefore, it has been classified as a Variant of Uncertain Significance.

Ambry Genetics
Classification: Uncertain significance for Hereditary cancer-predisposing syndrome. Last evaluated: 2023-05-24. Review status: criteria provided, single submitter. Criteria: Ambry Variant Classification Scheme 2023. Collection method: clinical testing. Allele origin: germline.
Comment: The p.E205* variant (also known as c.613G>T), located in coding exon 3 of the TMEM127 gene, results from a G to T substitution at nucleotide position 613. This changes the amino acid from a glutamic acid to a stop codon within coding exon 3. This alteration occurs at the 3' terminus of theTMEM127 gene, is not expected to trigger nonsense-mediated mRNAdecay, and only impacts the last 34 amino acids of the protein. The exact functional effect of this alteration is unknown. Since supporting evidence is limited at this time, the clinical significance of this alteration remains unclear.